The following is an entry in ClinVar:

NM_001035.3(RYR2):c.10838+3C>T

Gene: RYR2 (ryanodine receptor 2; plus strand). Cytogenetic location: 1q43.
Variant type: single nucleotide variant.
Coding change: c.10838+3C>T on transcript NM_001035.3 (MANE Select); 3 bases into the intron after coding-DNA position 10838, C replaced by T.
Molecular consequence: intron variant.
Genome position (GRCh38, 1-based): chr1:237,727,202, C>T. VCF-style: chr1-237727202-C-T. GRCh37 (hg19) VCF-style: chr1-237890502-C-T.
Other names: c.10838+3C>T (NM_001035.2).
Identifiers: ClinVar variation 921883 (VCV000921883.12), dbSNP rs1417807379, ClinGen allele CA529547186.

ClinVar aggregate classification (germline): Conflicting classifications of pathogenicity. Review status: criteria provided, conflicting classifications (1 of 4 stars). 5 submissions from 5 submitters: Uncertain significance (3); Likely benign (2). Last evaluated 2025-10-04.

Conditions:
Catecholaminergic polymorphic ventricular tachycardia 1. Also called: VENTRICULAR TACHYCARDIA, CATECHOLAMINERGIC POLYMORPHIC, 1, WITH OR WITHOUT ATRIAL DYSFUNCTION AND/OR DILATED CARDIOMYOPATHY; RYR2-Related Catecholaminergic Polymorphic Ventricular Tachycardia; VENTRICULAR TACHYCARDIA, STRESS-INDUCED POLYMORPHIC 1. Identifiers: Orphanet 3286, MedGen C1631597, MONDO:0011484, OMIM 604772.
Cardiovascular phenotype. Identifiers: MedGen CN230736.
Cardiomyopathy (CMYO). Also called: Cardiomyopathies. Identifiers: Orphanet 167848, MedGen C0878544, MONDO:0004994, HP:0001638. Inheritance: Various modes of inheritance.

Allele frequency attached by ClinVar (database versions not stated): gnomAD exomes 0.00001; TOPMed 0.00001.
gnomAD v4.1: 14 of 1,424,092 alleles (0.00098%); highest among the groups gnomAD compares: East Asian, 0.0047%; no homozygotes.

Submissions (5):

Labcorp Genetics (formerly Invitae), Labcorp
Classification: Uncertain significance for Catecholaminergic polymorphic ventricular tachycardia 1. Last evaluated: 2025-10-04. Review status: criteria provided, single submitter. Criteria: Invitae Variant Classification Sherloc (09022015). Collection method: clinical testing. Allele origin: germline.
Comment: This sequence change falls in intron 76 of the RYR2 gene. It does not directly change the encoded amino acid sequence of the RYR2 protein. It affects a nucleotide within the consensus splice site. This variant is not present in population databases (gnomAD no frequency). This variant has not been reported in the literature in individuals affected with RYR2-related conditions. ClinVar contains an entry for this variant (Variation ID: 921883). Variants that disrupt the consensus splice site are a relatively common cause of aberrant splicing (PMID: 17576681, 9536098). Algorithms developed to predict the effect of sequence changes on RNA splicing suggest that this variant is not likely to affect RNA splicing. In summary, the available evidence is currently insufficient to determine the role of this variant in disease. Therefore, it has been classified as a Variant of Uncertain Significance.

Women's Health and Genetics/Laboratory Corporation of America, LabCorp
Classification: Uncertain significance. Last evaluated: 2025-04-08. Review status: criteria provided, single submitter. Criteria: LabCorp Variant Classification Summary - May 2015. Collection method: clinical testing. Allele origin: germline.
Comment: Variant summary: RYR2 c.10838+3C>T alters a non-conserved nucleotide located close to a canonical splice site and therefore could affect mRNA splicing, leading to a significantly altered protein sequence. Consensus agreement among computation tools predict no significant impact on normal splicing. However, these predictions have yet to be confirmed by functional studies. The frequency data for this variant in gnomAD is considered unreliable, as metrics indicate poor data quality at this position. To our knowledge, no occurrence of c.10838+3C>T in individuals affected with Catecholaminergic Polymorphic Ventricular Tachycardia and no experimental evidence demonstrating its impact on protein function have been reported. ClinVar contains an entry for this variant (Variation ID: 921883). Based on the evidence outlined above, the variant was classified as uncertain significance.

Ambry Genetics
Classification: Uncertain significance for Cardiovascular phenotype. Last evaluated: 2025-02-17. Review status: criteria provided, single submitter. Criteria: Ambry Variant Classification Scheme 2023. Collection method: clinical testing. Allele origin: germline.
Comment: The c.10838+3C>T intronic variant results from a C to T substitution 3 nucleotides after coding exon 76 in the RYR2 gene. This nucleotide position is not well conserved in available vertebrate species. In silico splice site analysis predicts that this alteration will not have any significant effect on splicing. Since supporting evidence is limited at this time, the clinical significance of this alteration remains unclear.

ARUP Laboratories, Molecular Genetics and Genomics, ARUP Laboratories
Classification: Likely benign. Last evaluated: 2022-09-20. Review status: criteria provided, single submitter. Criteria: ARUP Molecular Germline Variant Investigation Process 2021. Collection method: clinical testing. Allele origin: germline.

Color Diagnostics, LLC DBA Color Health
Classification: Likely benign for Cardiomyopathy. Last evaluated: 2019-06-10. Review status: criteria provided, single submitter. Criteria: ACMG Guidelines, 2015. Collection method: clinical testing. Allele origin: germline.

Literature cited by the submitters: PubMed 17576681 (cited by Labcorp Genetics (formerly Invitae), Labcorp); PubMed 9536098 (cited by Labcorp Genetics (formerly Invitae), Labcorp).